The following is an entry in ClinVar:

NM_001943.5(DSG2):c.266A>G (p.Tyr89Cys)

Gene: DSG2 (desmoglein 2; plus strand). Cytogenetic location: 18q12.1.
Variant type: single nucleotide variant.
Coding change: c.266A>G on transcript NM_001943.5 (MANE Select); coding-DNA position 266, A replaced by G.
Protein change: p.Tyr89Cys; replaces tyrosine 89 with cysteine.
Molecular consequence: missense variant.
Genome position (GRCh38, 1-based): chr18:31,520,852, A>G. VCF-style: chr18-31520852-A-G. GRCh37 (hg19) VCF-style: chr18-29100815-A-G.
Other names: short protein forms Y89C.
Identifiers: ClinVar variation 44306 (VCV000044306.55), dbSNP rs2230232, ClinGen allele CA021861.

ClinVar aggregate classification (germline): Benign/Likely benign. Review status: criteria provided, multiple submitters, no conflicts (2 of 4 stars). 17 submissions from 17 submitters: Benign (8); Likely benign (6). 3 of the submissions do not count toward it. Last evaluated 2026-09-01.

Conditions:
Cardiomyopathy (CMYO). Also called: Cardiomyopathies. Identifiers: Orphanet 167848, MedGen C0878544, MONDO:0004994, HP:0001638. Inheritance: Various modes of inheritance.
Arrhythmogenic right ventricular dysplasia 10. Also called: Arrhythmogenic right ventricular dysplasia/cardiomyopathy, type 10; Arrhythmogenic Right Ventricular Dysplasia/Cardiomyopathy10; ARRHYTHMOGENIC RIGHT VENTRICULAR DYSPLASIA, FAMILIAL, 10. Identifiers: MedGen C1857777, MONDO:0012434, OMIM 610193.

Allele frequency attached by ClinVar (database versions not stated): gnomAD exomes 0.00037 and 0.00095; ExAC 0.00105; ESP Exome Variant Server 0.00349; TOPMed 0.00429; gnomAD 0.00377 and 0.00406; 1000 Genomes Project 30x 0.00406; 1000 Genomes Project 0.00379.
gnomAD v4.1: 1,136 of 1,613,846 alleles (0.07%); highest among the groups gnomAD compares: African/African-American, 1.4%; 4 homozygotes.

Submissions (17):

CeGaT Center for Human Genetics Tuebingen
Classification: Likely benign. Last evaluated: 2026-09-01. Review status: criteria provided, single submitter. Criteria: CeGaT Center For Human Genetics Tuebingen Variant Classification Criteria Version 2. Collection method: clinical testing. Allele origin: germline. Affected: yes. Observed: 3 variant alleles.
Comment: DSG2: BS1

Labcorp Genetics (formerly Invitae), Labcorp
Classification: Benign for Arrhythmogenic right ventricular dysplasia 10. Last evaluated: 2026-02-03. Review status: criteria provided, single submitter. Criteria: Invitae Variant Classification Sherloc (09022015). Collection method: clinical testing. Allele origin: germline.

Molecular Diagnostic Laboratory for Inherited Cardiovascular Disease, Montreal Heart Institute
Classification: Likely benign. Last evaluated: 2025-04-09. Review status: criteria provided, single submitter. Criteria: ACMG Guidelines, 2015. Collection method: clinical testing. Allele origin: germline. Affected: no.

Blueprint Genetics
Classification: Likely benign. Last evaluated: 2024-10-18. Review status: criteria provided, single submitter. Criteria: ACMG Guidelines, 2015. Collection method: clinical testing. Allele origin: germline.

Mayo Clinic Laboratories, Mayo Clinic
Classification: Benign. Last evaluated: 2023-12-13. Review status: criteria provided, single submitter. Criteria: ACMG Guidelines, 2015. Collection method: clinical testing. Allele origin: germline. Observed: 6 variant alleles.
Comment: BA1, BP4

ARUP Laboratories, Molecular Genetics and Genomics, ARUP Laboratories
Classification: Likely benign. Last evaluated: 2020-08-23. Review status: criteria provided, single submitter. Criteria: ARUP Molecular Germline Variant Investigation Process. Collection method: clinical testing. Allele origin: germline.

Color Diagnostics, LLC DBA Color Health
Classification: Benign for Cardiomyopathy. Last evaluated: 2018-07-02. Review status: criteria provided, single submitter. Criteria: ACMG Guidelines, 2015. Collection method: clinical testing. Allele origin: germline.

Illumina Laboratory Services, Illumina
Classification: Likely benign for Arrhythmogenic right ventricular dysplasia 10. Last evaluated: 2018-01-12. Review status: criteria provided, single submitter. Criteria: ICSL Variant Classification Criteria 13 December 2019. Collection method: clinical testing. Allele origin: germline.
Comment: This variant was observed in the ICSL laboratory as part of a predisposition screen in an ostensibly healthy population. It had not been previously curated by ICSL or reported in the Human Gene Mutation Database (HGMD: prior to June 1st, 2018), and was therefore a candidate for classification through an automated scoring system. Utilizing variant allele frequency, disease prevalence and penetrance estimates, and inheritance mode, an automated score was calculated to assess if this variant is too frequent to cause the disease. Based on the score and internal cut-off values, a variant classified as likely benign is not then subjected to further curation. The score for this variant resulted in a classification of likely benign for this disease.

Center for Advanced Laboratory Medicine, UC San Diego Health, University of California San Diego
Classification: Benign for Cardiomyopathy. Last evaluated: 2017-03-22. Review status: criteria provided, single submitter. Criteria: ACMG Guidelines, 2015. Collection method: clinical testing. Allele origin: germline. Affected: yes. Observed: 1 variant allele.

CHEO Genetics Diagnostic Laboratory, Children's Hospital of Eastern Ontario
Classification: Benign for Cardiomyopathy. Last evaluated: 2017-02-14. Review status: criteria provided, single submitter. Criteria: ACMG Guidelines, 2015. Collection method: clinical testing. Allele origin: germline. Study: Canadian Open Genetics Repository.

GeneDx
Classification: Benign. Last evaluated: 2015-03-03. Review status: criteria provided, single submitter. Criteria: GeneDx Variant Classification Process June 2021. Collection method: clinical testing. Allele origin: germline. Affected: yes.

Biesecker Lab/Clinical Genomics Section, National Institutes of Health
Classification: Benign. Last evaluated: 2013-06-24. Review status: criteria provided, single submitter. Criteria: Ng et al. (Circ Cardiovasc Genet. 2013). Collection method: research. Allele origin: unknown. Observed: 1 variant allele. Study: ClinSeq.
Comment: The study set was not selected for affection status in relation to any cancer. Pathogenicity categories were based on literature curation. See Pubmed ID:23861362 for details.

Medical sequencing

Laboratory for Molecular Medicine, Mass General Brigham Personalized Medicine
Classification: Benign. Last evaluated: 2012-04-17. Review status: criteria provided, single submitter. Criteria: LMM Criteria. Collection method: clinical testing. Allele origin: germline. Observed: 6 variant alleles.
Comment: Tyr89Cys in Exon 04 of DSG2: This variant is not expected to have clinical signi ficance because it has been identified in 1.0% (30/2916) of African American chr omosomes from a broad population by the NHLBI Exome Sequencing Project (dbSNP rs2230232).

Breakthrough Genomics
Classification: Likely benign. Review status: criteria provided, single submitter. Criteria: ACMG Guidelines, 2015. Collection method: not provided. Allele origin: germline. Inheritance: Autosomal recessive inheritance. Affected: yes.

Clinical Genetics DNA and cytogenetics Diagnostics Lab, Erasmus MC, Erasmus Medical Center
Classification: Benign. Review status: no assertion criteria provided. Collection method: clinical testing. Allele origin: germline. Affected: yes. Study: VKGL Data-share Consensus. Not counted in ClinVar's aggregate classification.

Clinical Genetics, Academic Medical Center
Classification: Benign. Review status: no assertion criteria provided. Collection method: clinical testing. Allele origin: germline. Affected: yes. Study: VKGL Data-share Consensus. Not counted in ClinVar's aggregate classification.

Joint Genome Diagnostic Labs from Nijmegen and Maastricht, Radboudumc and MUMC+
Classification: Benign. Review status: no assertion criteria provided. Collection method: clinical testing. Allele origin: germline. Affected: yes. Study: VKGL Data-share Consensus. Not counted in ClinVar's aggregate classification.